The following is an entry in ClinVar:

ClinVar aggregate classification (germline): Conflicting classifications of pathogenicity. Review status: criteria provided, conflicting classifications (1 of 4 stars). 4 submissions from 4 submitters: Likely pathogenic (2); Uncertain significance (2). Last evaluated 2024-10-09.

Conditions:
TWIST1-related craniosynostosis (CRS1). Also called: CRANIOSYNOSTOSIS 1. Identifiers: Orphanet 63440, MedGen C4551902, MONDO:0007399, OMIM 123100. Inheritance: Heterogenous inheritance pattern.
Lambdoidal craniosynostosis. Identifiers: MedGen C1833340, HP:0004443.
Inborn genetic diseases. Identifiers: MedGen C0950123, MeSH D030342.

Allele frequency attached by ClinVar (database versions not stated): gnomAD exomes below 0.00001.

Submissions (4):

Victorian Clinical Genetics Services, Murdoch Childrens Research Institute
Classification: Likely pathogenic for Craniosynostosis 4. Last evaluated: 2024-10-09. Review status: criteria provided, single submitter. Criteria: ACMG Guidelines, 2015. Collection method: clinical testing. Allele origin: germline. Inheritance: Autosomal dominant inheritance. Affected: yes.
Comment: Based on the classification scheme VCGS_Germline_v1.3.4, this variant is classified as likely pathogenic. Following criteria are met: 0102 - Loss of function is a known mechanism of disease in this gene and is associated with craniosynostosis 4 (MIM#600775). A single recurring missense variant has been reported to cause Chitayat syndrome (MIM#617180), where the mechanism is unclear (PMID: 27738187). (I) 0107 - This gene is associated with autosomal dominant disease. (I) 0112 - The condition associated with this gene has incomplete penetrance in some families with craniosynostosis (PMID: 30758909). (I) 0115 - Variants in this gene are known to have variable expressivity, with intrafamilial variability reported for craniosynostosis (PMID: 35852485). (I) 0200 - Variant is predicted to result in a missense amino acid change from arginine to glutamine. (I) 0251 - This variant is heterozygous. (I) 0302 - Variant is present in gnomAD (v2) <0.001 for a dominant condition (1 heterozygote, 0 homozygotes). (SP) 0309 - An alternative amino acid change at the same position has been observed in gnomAD (v4) (5 heterozygotes, 0 homozygotes). (I) 0502 - Missense variant with conflicting in silico predictions and uninformative conservation. (I) 0600 - Variant is located in the annotated DNA binding domain (PMID: 28808027). (I) 0703 - Another missense variant comparable to the one identified in this case has moderate previous evidence for pathogenicity. p.(Arg83Trp) has been reported three times as likely pathogenic (ClinVar, DECIPHER), once as pathogenic (VCGS) and in seven individuals from two unrelated families with craniosynostosis (PMID: 30758909). (SP) 0808 - Previous reports of pathogenicity for this variant are conflicting. This variant has been reported as a VUS twice (ClinVar), in two individuals from one family with craniosynostosis (PMID: 30758909) and one individual with craniosynostosis who inherited the variant from an unaffected mother (PMID: 28808027). (I) 0906 - Segregation evidence for this variant is inconclusive. This variant has been observed inherited from both affected and unaffected parents (PMID: 30758909). (I) 1007 - No published functional evidence has been identified for this variant. (SP) Legend: (SP) - Supporting pathogenic, (I) - Information, (SB) - Supporting benign

Labcorp Genetics (formerly Invitae), Labcorp
Classification: Likely pathogenic for TWIST1-related craniosynostosis. Last evaluated: 2024-04-07. Review status: criteria provided, single submitter. Criteria: Invitae Variant Classification Sherloc (09022015). Collection method: clinical testing. Allele origin: germline.
Comment: This sequence change replaces arginine, which is basic and polar, with glutamine, which is neutral and polar, at codon 83 of the ERF protein (p.Arg83Gln). This variant is present in population databases (no rsID available, gnomAD 0.0009%). This missense change has been observed in individuals with craniosynostosis (PMID: 30758909; Invitae). ClinVar contains an entry for this variant (Variation ID: 985327). Advanced modeling of protein sequence and biophysical properties (such as structural, functional, and spatial information, amino acid conservation, physicochemical variation, residue mobility, and thermodynamic stability) performed at Invitae indicates that this missense variant is expected to disrupt ERF protein function with a positive predictive value of 80%. In summary, the currently available evidence indicates that the variant is pathogenic, but additional data are needed to prove that conclusively. Therefore, this variant has been classified as Likely Pathogenic.

Laboratorio de Genetica e Diagnostico Molecular, Hospital Israelita Albert Einstein
Classification: Uncertain significance. Last evaluated: 2021-01-21. Review status: criteria provided, single submitter. Criteria: ACMG Guidelines, 2015. Collection method: clinical testing. Allele origin: germline. Affected: yes.
Comment: ACMG classification criteria: PM2, PP3

Ambry Genetics
Classification: Uncertain significance for Inborn genetic diseases. Last evaluated: 2018-09-21. Review status: criteria provided, single submitter. Criteria: Ambry exome assertion method (8-5-2015). Collection method: clinical testing. Allele origin: germline. Affected: yes. Observed: 1 variant allele.

Literature cited by the submitters: PubMed 27738187 (cited by Victorian Clinical Genetics Services, Murdoch Childrens Research Institute); PubMed 28808027 (cited by Victorian Clinical Genetics Services, Murdoch Childrens Research Institute); PubMed 30758909 (cited by 3 submitters); PubMed 35852485 (cited by Victorian Clinical Genetics Services, Murdoch Childrens Research Institute).

NM_006494.4(ERF):c.248G>A (p.Arg83Gln)

Gene: ERF (ETS2 repressor factor; minus strand). Cytogenetic location: 19q13.2.
Variant type: single nucleotide variant.
Coding change: c.248G>A on transcript NM_006494.4 (MANE Select); coding-DNA position 248, G replaced by A.
Protein change: p.Arg83Gln; replaces arginine 83 with glutamine.
Molecular consequence: missense variant.
Genome position (GRCh38, 1-based): chr19:42,250,340, C>T on the plus strand (G>A on the coding strand, the complement: ERF is on the minus strand). VCF-style: chr19-42250340-C-T. GRCh37 (hg19) VCF-style: chr19-42754492-C-T.
Other names: c.248G>A (NM_006494.3); c.23G>A, p.Arg8Gln (NM_001301035.2, NM_001308402.2, NM_001312656.2); short protein forms R83Q, R8Q.
Identifiers: ClinVar variation 985327 (VCV000985327.8), dbSNP rs758855122, ClinGen allele CA406114805.